The following is an entry in ClinVar:

ClinVar aggregate classification (germline): Uncertain significance (1 of 4 stars; one submission).

Conditions:
Epidermolysis bullosa simplex with nail dystrophy (EBS5D). Identifiers: MedGen C4225309, MONDO:0014661, OMIM 616487.
Epidermolysis bullosa simplex, Ogna type (EBS5A). Also called: Pidermolysis bullosa simplex 5A, Ogna type; EPIDERMOLYSIS BULLOSA SIMPLEX 5A, OGNA TYPE. Identifiers: Orphanet 79401, MedGen C0432317, MONDO:0007555, OMIM 131950.
Epidermolysis bullosa simplex 5B, with muscular dystrophy (EBS5B). Also called: Epidermolysis bullosa simplex with muscular dystrophy; EPIDERMOLYSIS BULLOSA SIMPLEX AND LIMB-GIRDLE MUSCULAR DYSTROPHY. Identifiers: Orphanet 257, MedGen C2931072, MONDO:0009181, OMIM 226670.
Autosomal recessive limb-girdle muscular dystrophy type 2Q (LGMDR17). Also called: MUSCULAR DYSTROPHY, LIMB-GIRDLE, AUTOSOMAL RECESSIVE 17. Identifiers: Orphanet 254361, MedGen C3150989, MONDO:0013390, OMIM 613723.
Epidermolysis bullosa simplex 5C, with pyloric atresia (EBS5C). Also called: PLEC-Related Epidermolysis Bullosa with Pyloric Atresia; Epidermolysis bullosa simplex with pyloric atresia; PLEC1-Related Epidermolysis Bullosa with Pyloric Atresia. Identifiers: Orphanet 158684, MedGen C2677349, MONDO:0012807, OMIM 612138.

gnomAD v4.1: 1 of 1,611,826 alleles (0.000062%); highest among the groups gnomAD compares: Non-Finnish European, 0.000085%; no homozygotes.

Submission:

Labcorp Genetics (formerly Invitae), Labcorp
Classification: Uncertain significance for Autosomal recessive limb-girdle muscular dystrophy type 2Q; Epidermolysis bullosa simplex, Ogna type; Epidermolysis bullosa simplex with nail dystrophy; Epidermolysis bullosa simplex 5C, with pyloric atresia; Epidermolysis bullosa simplex 5B, with muscular dystrophy. Last evaluated: 2025-05-28. Review status: criteria provided, single submitter. Criteria: Invitae Variant Classification Sherloc (09022015). Collection method: clinical testing. Allele origin: germline.
Comment: This sequence change replaces serine, which is neutral and polar, with glycine, which is neutral and non-polar, at codon 3606 of the PLEC protein (p.Ser3606Gly). This variant is not present in population databases (gnomAD no frequency). This variant has not been reported in the literature in individuals affected with PLEC-related conditions. An algorithm developed to predict the effect of missense changes on protein structure and function outputs the following: PolyPhen-2: "Benign". The glycine amino acid residue is found in multiple mammalian species, which suggests that this missense change does not adversely affect protein function. In summary, the available evidence is currently insufficient to determine the role of this variant in disease. Therefore, it has been classified as a Variant of Uncertain Significance.

NM_201384.3(PLEC):c.10735A>G (p.Ser3579Gly)

Gene: PLEC (plectin; minus strand). Cytogenetic location: 8q24.3.
Variant type: single nucleotide variant.
Coding change: c.10735A>G on transcript NM_201384.3 (MANE Select); coding-DNA position 10735, A replaced by G.
Protein change: p.Ser3579Gly; replaces serine 3579 with glycine.
Molecular consequence: missense variant.
Genome position (GRCh38, 1-based): chr8:143,919,086, T>C on the plus strand (A>G on the coding strand, the complement: PLEC is on the minus strand). VCF-style: chr8-143919086-T-C. GRCh37 (hg19) VCF-style: chr8-144993254-T-C.
Other names: c.10816A>G, p.Ser3606Gly (NM_000445.5); c.7435A>G, p.Ser2479Gly (NM_001410941.1); c.10693A>G, p.Ser3565Gly (NM_201378.4); c.10669A>G, p.Ser3557Gly (NM_201379.3); c.11146A>G, p.Ser3716Gly (NM_201380.4); c.10639A>G, p.Ser3547Gly (NM_201381.3); c.10735A>G, p.Ser3579Gly (NM_201382.4); c.10747A>G, p.Ser3583Gly (NM_201383.3); short protein forms S3547G, S3606G, S3579G, S3583G, S3716G, S3557G, S3565G, S2479G.
Identifiers: ClinVar variation 4785116 (VCV004785116.1).
Genomic context (GRCh38, chr8:143,919,086, plus strand): 5'-CCTCGGGGATCAGGTCCGACTGCATCACCTCCCACAGGGACATGGTGGAGCCGCCGTGGC[T>C]GCCGCCGCCGGGAATGTCGATCTGTGTCTCTTCAAATGCCCTTCTTGTCTCCTCCTCAGT-3'
Protein context (NP_958786.1, residues 3569-3589): ETQIDIPGGG[Ser3579Gly]HGGSTMSLWE